The following is an entry in ClinVar:

NM_001379451.1(BCORL1):c.5101G>A (p.Asp1701Asn)

Gene: BCORL1 (BCL6 corepressor like 1; plus strand). Cytogenetic location: Xq26.1.
Variant type: single nucleotide variant.
Coding change: c.5101G>A on transcript NM_001379451.1 (MANE Select); coding-DNA position 5101, G replaced by A.
Protein change: p.Asp1701Asn; replaces aspartic acid 1701 with asparagine.
Molecular consequence: missense variant.
Genome position (GRCh38, 1-based): chrX:130,055,879, G>A. VCF-style: chrX-130055879-G-A. GRCh37 (hg19) VCF-style: chrX-129189854-G-A.
Other names: c.5101G>A, p.Asp1701Asn (NM_001184772.3, NM_001379450.1); c.4879G>A, p.Asp1627Asn (NM_021946.5); short protein forms D1627N, D1701N.
Identifiers: ClinVar variation 2572567 (VCV002572567.1), dbSNP rs367941726, ClinGen allele CA10514819.
Genomic context (GRCh38, chrX:130,055,879, plus strand): 5'-GCCTCCTTCAATAACTCCCATCCTTGCCTTTGCAGGCCCTGCAACTGGTTCCTCTTTTCC[G>A]ATGTCTTGAAGAGGCTGAAGCTTTCCTCGAGGATCTTTCAGGCCCGGTTCCCGCACTTTG-3'
Protein context (NP_001366380.1, residues 1691-1711): RGPCNWFLFS[Asp1701Asn]VLKRLKLSSR

ClinVar aggregate classification (germline): Uncertain significance (1 of 4 stars; one submission).

Conditions:
Shukla-Vernon syndrome. Identifiers: MedGen C5193146, MONDO:0026727, OMIM 301029.

Allele frequency attached by ClinVar (database versions not stated): TOPMed below 0.00001; gnomAD 0.00001; ExAC 0.00002; ESP Exome Variant Server 0.00009.
gnomAD v4.1: 10 of 1,207,450 alleles (0.00083%); highest among the groups gnomAD compares: Non-Finnish European, 0.0011%; no homozygotes.

Submission:

3billion
Classification: Uncertain significance for Shukla-Vernon syndrome. Review status: criteria provided, single submitter. Criteria: ACMG Guidelines, 2015. Collection method: clinical testing. Allele origin: unknown. Affected: yes. Observed: 2 variant alleles, 2 hemizygotes. Clinical features observed: Autistic behavior (HP:0000729), Intellectual disability (HP:0001249).
Comment: The variant is observed at an extremely low frequency in the gnomAD v2.1.1 dataset (total allele frequency: 0.002%). Missense changes are a common disease-causing mechanism. Therefore, this variant is classified as Uncertain significance according to the recommendation of ACMG/AMP guideline.